The following is an entry in ClinVar:

NM_002635.4(SLC25A3):c.1013A>C (p.Tyr338Ser)

Gene: SLC25A3 (solute carrier family 25 member 3; plus strand). Cytogenetic location: 12q23.1.
Variant type: single nucleotide variant.
Coding change: c.1013A>C on transcript NM_002635.4 (MANE Select); coding-DNA position 1013, A replaced by C.
Protein change: p.Tyr338Ser; replaces tyrosine 338 with serine.
Molecular consequence: missense variant.
Genome position (GRCh38, 1-based): chr12:98,601,455, A>C. VCF-style: chr12-98601455-A-C. GRCh37 (hg19) VCF-style: chr12-98995233-A-C.
Other names: c.1016A>C, p.Tyr339Ser (NM_005888.4); c.1013A>C, p.Tyr338Ser (NM_213611.3); short protein forms Y338S, Y339S.
Identifiers: ClinVar variation 2127969 (VCV002127969.4), dbSNP rs762187869, ClinGen allele CA386169950.
Genomic context (GRCh38, chr12:98,601,455, plus strand): 5'-TCATCATGATTGGTACCCTGACTGCACTACAGTGGTTTATCTATGACTCCGTGAAGGTCT[A>C]CTTCAGACTTCCTCGCCCTCCTCCACCCGAGATGCCAGAGTCTCTGAAGAAGAAGCTTGG-3'
Protein context (NP_002626.1, residues 328-348): QWFIYDSVKV[Tyr338Ser]FRLPRPPPPE

ClinVar aggregate classification (germline): Uncertain significance (1 of 4 stars; one submission).

Submission:

Labcorp Genetics (formerly Invitae), Labcorp
Classification: Uncertain significance. Last evaluated: 2022-04-26. Review status: criteria provided, single submitter. Criteria: Invitae Variant Classification Sherloc (09022015). Collection method: clinical testing. Allele origin: germline.
Comment: This sequence change replaces tyrosine, which is neutral and polar, with serine, which is neutral and polar, at codon 339 of the SLC25A3 protein (p.Tyr339Ser). In summary, the available evidence is currently insufficient to determine the role of this variant in disease. Therefore, it has been classified as a Variant of Uncertain Significance. Algorithms developed to predict the effect of missense changes on protein structure and function are either unavailable or do not agree on the potential impact of this missense change (SIFT: "Tolerated"; PolyPhen-2: "Possibly Damaging"; Align-GVGD: "Class C0"). This variant has not been reported in the literature in individuals affected with SLC25A3-related conditions. This variant is not present in population databases (gnomAD no frequency).